The following is an entry in ClinVar:

NM_000038.6(APC):c.4111del (p.Ser1371fs)

Gene: APC (APC regulator of Wnt signaling pathway; plus strand). Cytogenetic location: 5q22.2.
Variant type: Deletion.
Coding change: c.4111del on transcript NM_000038.6 (MANE Select); coding-DNA position 4111, one base deleted (A; older notation c.4111delA).
Protein change: p.Ser1371fs; shifts the reading frame from serine 1371.
Molecular consequence: frameshift variant. On other transcripts: non-coding transcript variant (2).
Genome position (GRCh38, 1-based): chr5:112,839,705, A deleted; the last of 4 consecutive A bases (chr5:112,839,702-112,839,705); deleting any one gives the same sequence. VCF-style (leftmost placement, unchanged base first): chr5-112839701-CA-C. GRCh37 (hg19) VCF-style: chr5-112175398-CA-C.
Other names: c.4111del, p.Ser1371fs (NM_001127510.3, NM_001354895.2, NM_001407450.1); c.4057del, p.Ser1353fs (NM_001127511.3); c.4165del, p.Ser1389fs (NM_001354896.2, NM_001407447.1, NM_001407448.1 and 1 more transcripts); c.4141del, p.Ser1381fs (NM_001354897.2); c.4036del, p.Ser1346fs (NM_001354898.2); c.4027del, p.Ser1343fs (NM_001354899.2); c.3988del, p.Ser1330fs (NM_001354900.2); c.3934del, p.Ser1312fs (NM_001354901.2, NM_001407453.1); and 11 more; short protein forms S1088fs, S1211fs, S1242fs, S1245fs, S1270fs, S1280fs, S1288fs, S1312fs.
Identifiers: ClinVar variation 2583283 (VCV002583283.2), dbSNP rs2533549111, ClinGen allele CA2582341554.

ClinVar aggregate classification (germline): Pathogenic (1 of 4 stars; one submission).

Conditions:
Familial adenomatous polyposis 1 (FAP1). Also called: POLYPOSIS, ADENOMATOUS INTESTINAL; FAMILIAL ADENOMATOUS POLYPOSIS 1, ATTENUATED. Identifiers: MedGen C2713442, MONDO:0021056, OMIM 175100. Disease mechanism: loss of function.

Submission:

Myriad Genetics, Inc.
Classification: Pathogenic for Familial adenomatous polyposis 1. Last evaluated: 2023-05-10. Review status: criteria provided, single submitter. Criteria: Myriad Autosomal Dominant, Autosomal Recessive and X-Linked Classification Criteria (2023). Collection method: clinical testing. Allele origin: unknown.
Comment: This variant is considered pathogenic. This variant creates a frameshift predicted to result in premature protein truncation.